The following is an entry in ClinVar:

NM_006269.2(RP1):c.3020C>A (p.Thr1007Lys)

Gene: RP1 (RP1 axonemal microtubule associated; plus strand). Cytogenetic location: 8q12.1.
Variant type: single nucleotide variant.
Coding change: c.3020C>A on transcript NM_006269.2 (MANE Select); coding-DNA position 3020, C replaced by A.
Protein change: p.Thr1007Lys; replaces threonine 1007 with lysine.
Molecular consequence: missense variant. On other transcripts: intron variant (1).
Genome position (GRCh38, 1-based): chr8:54,626,902, C>A. VCF-style: chr8-54626902-C-A. GRCh37 (hg19) VCF-style: chr8-55539462-C-A.
Other names: c.787+4614C>A (NM_001375654.1); short protein forms T1007K.
Identifiers: ClinVar variation 1720118 (VCV001720118.5), dbSNP rs2536577500, ClinGen allele CA370995138.

ClinVar aggregate classification (germline): Uncertain significance (1 of 4 stars; one submission).

Allele frequency attached by ClinVar (database versions not stated): gnomAD exomes below 0.00001.
gnomAD v4.1: 1 of 1,613,834 alleles (0.000062%); highest among the groups gnomAD compares: Non-Finnish European, 0.000085%; no homozygotes.

Submission:

Labcorp Genetics (formerly Invitae), Labcorp
Classification: Uncertain significance. Last evaluated: 2022-09-23. Review status: criteria provided, single submitter. Criteria: Invitae Variant Classification Sherloc (09022015). Collection method: clinical testing. Allele origin: germline.
Comment: In summary, the available evidence is currently insufficient to determine the role of this variant in disease. Therefore, it has been classified as a Variant of Uncertain Significance. Algorithms developed to predict the effect of missense changes on protein structure and function (SIFT, PolyPhen-2, Align-GVGD) all suggest that this variant is likely to be tolerated. This variant has not been reported in the literature in individuals affected with RP1-related conditions. This variant is not present in population databases (gnomAD no frequency). This sequence change replaces threonine, which is neutral and polar, with lysine, which is basic and polar, at codon 1007 of the RP1 protein (p.Thr1007Lys).